The following is an entry in ClinVar:

ClinVar aggregate classification (germline): Uncertain significance. Review status: criteria provided, multiple submitters, no conflicts (2 of 4 stars). 4 submissions from 4 submitters: Uncertain significance (2). 2 of the submissions do not count toward it. Last evaluated 2024-11-25.

Conditions:
Inborn genetic diseases. Identifiers: MedGen C0950123, MeSH D030342.
Fanconi anemia (FA). Also called: Fanconi's anemia. Identifiers: Orphanet 84, MedGen C0015625, MeSH D005199, MONDO:0019391.
Fanconi anemia complementation group G. Also called: FANCG-Related Fanconi Anemia; Fanconi anemia group G. Identifiers: Orphanet 84, MedGen C3469527, MONDO:0013565, OMIM 614082.

Allele frequency attached by ClinVar (database versions not stated): gnomAD exomes below 0.00001 and 0.00001; TOPMed below 0.00001; gnomAD 0.00001.
gnomAD v4.1: 13 of 1,614,122 alleles (0.00081%); highest among the groups gnomAD compares: Non-Finnish European, 0.0011%; no homozygotes.

Submissions (4):

Ambry Genetics
Classification: Uncertain significance for Inborn genetic diseases. Last evaluated: 2024-11-25. Review status: criteria provided, single submitter. Criteria: Ambry Variant Classification Scheme 2023. Collection method: clinical testing. Allele origin: germline.
Comment: The p.Q542H variant (also known as c.1626G>C), located in coding exon 12 of the FANCG gene, results from a G to C substitution at nucleotide position 1626. The glutamine at codon 542 is replaced by histidine, an amino acid with highly similar properties. This amino acid position is conserved. In addition, this alteration is predicted to be tolerated by in silico analysis. Based on the available evidence, the clinical significance of this variant remains unclear.

Labcorp Genetics (formerly Invitae), Labcorp
Classification: Uncertain significance for Fanconi anemia. Last evaluated: 2023-07-08. Review status: criteria provided, single submitter. Criteria: Invitae Variant Classification Sherloc (09022015). Collection method: clinical testing. Allele origin: germline.
Comment: This variant has not been reported in the literature in individuals affected with FANCG-related conditions. This sequence change replaces glutamine, which is neutral and polar, with histidine, which is basic and polar, at codon 542 of the FANCG protein (p.Gln542His). This variant is present in population databases (no rsID available, gnomAD 0.0009%). ClinVar contains an entry for this variant (Variation ID: 408138). Advanced modeling of protein sequence and biophysical properties (such as structural, functional, and spatial information, amino acid conservation, physicochemical variation, residue mobility, and thermodynamic stability) has been performed at Invitae for this missense variant, however the output from this modeling did not meet the statistical confidence thresholds required to predict the impact of this variant on FANCG protein function. In summary, the available evidence is currently insufficient to determine the role of this variant in disease. Therefore, it has been classified as a Variant of Uncertain Significance.

Natera, Inc.
Classification: Uncertain significance for Fanconi anemia group G. Last evaluated: 2020-09-16. Review status: no assertion criteria provided. Collection method: clinical testing. Allele origin: germline. Not counted in ClinVar's aggregate classification.

Department of Pathology and Laboratory Medicine, Sinai Health System
Classification: Uncertain significance. Review status: no assertion criteria provided. Collection method: clinical testing. Allele origin: unknown. Affected: yes. Study: The Canadian Open Genetics Repository (COGR). Not counted in ClinVar's aggregate classification.
Comment: The FANCG p.Gln542His variant was not identified in the literature nor was it identified in Cosmic or LOVD 3.0. The variant was identified in dbSNP (ID: rs1060501867) and ClinVar (classified as uncertain significance by Invitae for Fanconi anemia). The variant was identified in control databases in 1 of 251488 chromosomes at a frequency of 0.000003976 (Genome Aggregation Database March 6, 2019, v2.1.1). The variant was observed in the European (non-Finnish) population in 1 of 113762 chromosomes (freq: 0.000009), but was not observed in the African, Latino, Ashkenazi Jewish, East Asian, European (Finnish), Other, or South Asian populations. The p.Gln542 residue is conserved in mammals and computational analyses (PolyPhen-2, SIFT, AlignGVGD, BLOSUM, MutationTaster) provide inconsistent predictions regarding the impact to the protein; this information is not very predictive of pathogenicity. The variant occurs outside of the splicing consensus sequence and three of four in silico or computational prediction software programs (SpliceSiteFinder, MaxEntScan, NNSPLICE, GeneSplicer) predict a greater than 10% difference in splicing. However, this information is not predictive enough to assume pathogenicity. In summary, based on the above information the clinical significance of this variant cannot be determined with certainty at this time. This variant is classified as a variant of uncertain significance.

NM_004629.2(FANCG):c.1626G>C (p.Gln542His)

Gene: FANCG (FA complementation group G; minus strand). Cytogenetic location: 9p13.3.
Variant type: single nucleotide variant.
Coding change: c.1626G>C on transcript NM_004629.2 (MANE Select); coding-DNA position 1626, G replaced by C.
Protein change: p.Gln542His; replaces glutamine 542 with histidine.
Molecular consequence: missense variant.
Genome position (GRCh38, 1-based): chr9:35,074,937, C>G on the plus strand (G>C on the coding strand, the complement: FANCG is on the minus strand). VCF-style: chr9-35074937-C-G. GRCh37 (hg19) VCF-style: chr9-35074934-C-G.
Other names: short protein forms Q542H.
Identifiers: ClinVar variation 408138 (VCV000408138.11), dbSNP rs1060501867, ClinGen allele CA16612616.